The following is an entry in ClinVar:

ClinVar aggregate classification (germline): Uncertain significance. Review status: criteria provided, multiple submitters, no conflicts (2 of 4 stars). 3 submissions from 3 submitters: Uncertain significance (3). Last evaluated 2023-12-31.

Conditions:
Hereditary pancreatitis (PCTT). Also called: Hereditary chronic pancreatitis; PRSS1-Related Hereditary Pancreatitis. Identifiers: Orphanet 676, MedGen C0238339, MONDO:0008185, OMIM 167800.

Allele frequency attached by ClinVar (database versions not stated): gnomAD exomes below 0.00001; gnomAD 0.00002; TOPMed 0.00001.

Submissions (3):

Ambry Genetics
Classification: Uncertain significance for Hereditary pancreatitis. Last evaluated: 2023-12-31. Review status: criteria provided, single submitter. Criteria: Ambry Variant Classification Scheme 2023. Collection method: clinical testing. Allele origin: germline.
Comment: The p.A12V variant (also known as c.35C>T), located in coding exon 1 of the CTRC gene, results from a C to T substitution at nucleotide position 35. The alanine at codon 12 is replaced by valine, an amino acid with similar properties. This amino acid position is conserved. In addition, this alteration is predicted to be tolerated by in silico analysis. Since supporting evidence is limited at this time, the clinical significance of this alteration remains unclear.

Labcorp Genetics (formerly Invitae), Labcorp
Classification: Uncertain significance for Hereditary pancreatitis. Last evaluated: 2022-03-18. Review status: criteria provided, single submitter. Criteria: Invitae Variant Classification Sherloc (09022015). Collection method: clinical testing. Allele origin: germline.
Comment: This variant has not been reported in the literature in individuals affected with CTRC-related conditions. This sequence change replaces alanine, which is neutral and non-polar, with valine, which is neutral and non-polar, at codon 12 of the CTRC protein (p.Ala12Val). This variant is present in population databases (no rsID available, gnomAD 0.0009%). ClinVar contains an entry for this variant (Variation ID: 654653). Algorithms developed to predict the effect of missense changes on protein structure and function are either unavailable or do not agree on the potential impact of this missense change (SIFT: "Deleterious"; PolyPhen-2: "Benign"; Align-GVGD: "Class C0"). Algorithms developed to predict the effect of sequence changes on RNA splicing suggest that this variant may create or strengthen a splice site. In summary, the available evidence is currently insufficient to determine the role of this variant in disease. Therefore, it has been classified as a Variant of Uncertain Significance.

Mayo Clinic Laboratories, Mayo Clinic
Classification: Uncertain significance. Last evaluated: 2020-11-22. Review status: criteria provided, single submitter. Criteria: ACMG Guidelines, 2015. Collection method: clinical testing. Allele origin: germline. Observed: 1 variant allele.

NM_007272.3(CTRC):c.35C>T (p.Ala12Val)

Gene: CTRC (chymotrypsin C; plus strand). Cytogenetic location: 1p36.21.
Variant type: single nucleotide variant.
Coding change: c.35C>T on transcript NM_007272.3 (MANE Select); coding-DNA position 35, C replaced by T.
Protein change: p.Ala12Val; replaces alanine 12 with valine.
Molecular consequence: missense variant.
Genome position (GRCh38, 1-based): chr1:15,438,499, C>T. VCF-style: chr1-15438499-C-T. GRCh37 (hg19) VCF-style: chr1-15764995-C-T.
Other names: short protein forms A12V.
Identifiers: ClinVar variation 654653 (VCV000654653.15), dbSNP rs1318452999, ClinGen allele CA338563767.